The following is an entry in ClinVar:

ClinVar aggregate classification (germline): Likely benign. Review status: criteria provided, multiple submitters, no conflicts (2 of 4 stars). 3 submissions from 3 submitters: Likely benign (3). Last evaluated 2023-03-01.

Allele frequency attached by ClinVar (database versions not stated): 1000 Genomes Project 0.00260; 1000 Genomes Project 30x 0.00265; gnomAD 0.00417 and 0.00448; TOPMed 0.00464; ESP Exome Variant Server 0.00469; ExAC 0.00474; gnomAD exomes 0.00486 and 0.00639.
gnomAD v4.1: 9,946 of 1,614,178 alleles (0.62%); highest among the groups gnomAD compares: Middle Eastern, 1.6%; 48 homozygotes.

Submissions (3):

CeGaT Center for Human Genetics Tuebingen
Classification: Likely benign. Last evaluated: 2023-03-01. Review status: criteria provided, single submitter. Criteria: CeGaT Center For Human Genetics Tuebingen Variant Classification Criteria Version 2. Collection method: clinical testing. Allele origin: germline. Affected: yes. Observed: 1 variant allele.
Comment: CYSLTR2: BP4, BS2

Labcorp Genetics (formerly Invitae), Labcorp
Classification: Likely benign. Last evaluated: 2019-12-31. Review status: criteria provided, single submitter. Criteria: Invitae Variant Classification Sherloc (09022015). Collection method: clinical testing. Allele origin: germline.

Breakthrough Genomics
Classification: Likely benign. Review status: criteria provided, single submitter. Criteria: ACMG Guidelines, 2015. Collection method: not provided. Allele origin: germline. Inheritance: Unknown mechanism. Affected: yes.

NM_001308476.3(CYSLTR2):c.148T>G (p.Phe50Val)

Gene: CYSLTR2 (cysteinyl leukotriene receptor 2; plus strand). Cytogenetic location: 13q14.2.
Variant type: single nucleotide variant.
Coding change: c.148T>G on transcript NM_001308476.3 (MANE Select); coding-DNA position 148, T replaced by G.
Protein change: p.Phe50Val; replaces phenylalanine 50 with valine.
Molecular consequence: missense variant.
Genome position (GRCh38, 1-based): chr13:48,706,965, T>G. VCF-style: chr13-48706965-T-G. GRCh37 (hg19) VCF-style: chr13-49281101-T-G.
Other names: c.148T>G, p.Phe50Val (NM_001308465.3, NM_001308467.3, NM_001308468.3 and 4 more transcripts); short protein forms F50V.
Identifiers: ClinVar variation 769848 (VCV000769848.29), dbSNP rs143085034, ClinGen allele CA6979476.